The following is an entry in ClinVar:

ClinVar aggregate classification (germline): Uncertain significance (1 of 4 stars; one submission).

Submission:

Labcorp Genetics (formerly Invitae), Labcorp
Classification: Uncertain significance. Last evaluated: 2024-11-08. Review status: criteria provided, single submitter. Criteria: Invitae Variant Classification Sherloc (09022015). Collection method: clinical testing. Allele origin: germline.
Comment: This sequence change replaces alanine, which is neutral and non-polar, with threonine, which is neutral and polar, at codon 17 of the NKX6-2 protein (p.Ala17Thr). This variant is not present in population databases (gnomAD no frequency). This variant has not been reported in the literature in individuals affected with NKX6-2-related conditions. An algorithm developed to predict the effect of missense changes on protein structure and function (PolyPhen-2) suggests that this variant is likely to be disruptive. In summary, the available evidence is currently insufficient to determine the role of this variant in disease. Therefore, it has been classified as a Variant of Uncertain Significance.

NM_177400.3(NKX6-2):c.49G>A (p.Ala17Thr)

Gene: NKX6-2 (NK6 homeobox 2; minus strand). Cytogenetic location: 10q26.3.
Variant type: single nucleotide variant.
Coding change: c.49G>A on transcript NM_177400.3 (MANE Select); coding-DNA position 49, G replaced by A.
Protein change: p.Ala17Thr; replaces alanine 17 with threonine.
Molecular consequence: missense variant.
Genome position (GRCh38, 1-based): chr10:132,785,900, C>T on the plus strand (G>A on the coding strand, the complement: NKX6-2 is on the minus strand). VCF-style: chr10-132785900-C-T. GRCh37 (hg19) VCF-style: chr10-134599404-C-T.
Other names: short protein forms A17T.
Identifiers: ClinVar variation 3724458 (VCV003724458.2).
Genomic context (GRCh38, chr10:132,785,900, plus strand): 5'-GACCCTGCAGCGCGTAGGGGAACAGCGACGTCTTCATCTCGGCCATGTTGTGCAGCGCGG[C>T]CAGCGGGGCACTGCTCAGCACGAACGCGCCCGGGCGGTTAGTGTCCATGGGCGCCGCCGC-3'
Protein context (NP_796374.2, residues 7-27): GAFVLSSAPL[Ala17Thr]ALHNMAEMKT